The following is an entry in ClinVar:

NM_001378615.1(CC2D2A):c.4496+6A>G

Genes: CC2D2A (coiled-coil and C2 domain containing 2A; plus strand), FBXL5 (F-box and leucine rich repeat protein 5; minus strand). Cytogenetic location: 4p15.32.
Variant type: single nucleotide variant.
Coding change: c.4496+6A>G on transcript NM_001378615.1 (MANE Select); 6 bases into the intron after coding-DNA position 4496, A replaced by G.
Molecular consequence: intron variant.
Genome position (GRCh38, 1-based): chr4:15,597,471, A>G. VCF-style: chr4-15597471-A-G. GRCh37 (hg19) VCF-style: chr4-15599094-A-G.
Other names: c.4496+6A>G (NM_001080522.2); c.4349+6A>G (NM_001378617.1).
Identifiers: ClinVar variation 1935879 (VCV001935879.2), dbSNP rs1721369415, ClinGen allele CA1440710557.

ClinVar aggregate classification (germline): Uncertain significance (1 of 4 stars; one submission).

Conditions:
Joubert syndrome. Also called: Familial aplasia of the vermis; JOUBERT-BOLTSHAUSER SYNDROME. Identifiers: Orphanet 475, MedGen C5979921, MONDO:0018772.
Meckel-Gruber syndrome. Also called: Dysencephalia splachnocystica; DYSENCEPHALIA SPLANCHNOCYSTICA; GRUBER SYNDROME. Identifiers: Orphanet 564, MedGen C0265215, MONDO:0018921.

Allele frequency attached by ClinVar (database versions not stated): gnomAD exomes below 0.00001; TOPMed below 0.00001.
gnomAD v4.1: 5 of 1,550,616 alleles (0.00032%); highest among the groups gnomAD compares: South Asian, 0.0048%; no homozygotes.

Submission:

Labcorp Genetics (formerly Invitae), Labcorp
Classification: Uncertain significance for Joubert syndrome; Meckel-Gruber syndrome. Last evaluated: 2022-08-06. Review status: criteria provided, single submitter. Criteria: Invitae Variant Classification Sherloc (09022015). Collection method: clinical testing. Allele origin: germline.
Comment: This sequence change falls in intron 36 of the CC2D2A gene. It does not directly change the encoded amino acid sequence of the CC2D2A protein. It affects a nucleotide within the consensus splice site. This variant is not present in population databases (gnomAD no frequency). This variant has not been reported in the literature in individuals affected with CC2D2A-related conditions. Variants that disrupt the consensus splice site are a relatively common cause of aberrant splicing (PMID: 17576681, 9536098). Algorithms developed to predict the effect of sequence changes on RNA splicing suggest that this variant is not likely to affect RNA splicing. In summary, the available evidence is currently insufficient to determine the role of this variant in disease. Therefore, it has been classified as a Variant of Uncertain Significance.

Literature cited by the submitters: PubMed 17576681; PubMed 9536098.